The following is an entry in ClinVar:

ClinVar aggregate classification (germline): Pathogenic. Review status: criteria provided, single submitter (1 of 4 stars). 2 submissions from 2 submitters: Pathogenic (1). 1 of the submissions does not count toward it. Last evaluated 2022-08-09.

Conditions:
Early-onset progressive neurodegeneration-blindness-ataxia-spasticity syndrome. Also called: Spastic paraplegia 79, autosomal recessive; SPASTIC PARAPLEGIA 79B, AUTOSOMAL RECESSIVE. Identifiers: Orphanet 352654, MedGen C3809665, MONDO:0014209, OMIM 615491.

Allele frequency attached by ClinVar (database versions not stated): gnomAD exomes below 0.00001.
gnomAD v4.1: 2 of 1,614,182 alleles (0.00012%); highest among the groups gnomAD compares: Non-Finnish European, 0.00017%; no homozygotes.

Submissions (2):

Labcorp Genetics (formerly Invitae), Labcorp
Classification: Pathogenic. Last evaluated: 2022-08-09. Review status: criteria provided, single submitter. Criteria: Invitae Variant Classification Sherloc (09022015). Collection method: clinical testing. Allele origin: germline.
Comment: For these reasons, this variant has been classified as Pathogenic. Experimental studies have shown that this missense change affects UCHL1 function (PMID: 23359680). Algorithms developed to predict the effect of missense changes on protein structure and function are either unavailable or do not agree on the potential impact of this missense change (SIFT: "Tolerated"; PolyPhen-2: "Probably Damaging"; Align-GVGD: "Class C0"). ClinVar contains an entry for this variant (Variation ID: 88635). This missense change has been observed in individual(s) with clinical features of hereditary spastic paraplegia (PMID: 23359680). It has also been observed to segregate with disease in related individuals. This variant is present in population databases (rs397515634, gnomAD 0.0009%). This sequence change replaces glutamic acid, which is acidic and polar, with alanine, which is neutral and non-polar, at codon 7 of the UCHL1 protein (p.Glu7Ala).

OMIM
Classification: Pathogenic for SPASTIC PARAPLEGIA 79B, AUTOSOMAL RECESSIVE. Last evaluated: 2013-02-26. Review status: no assertion criteria provided. Collection method: literature only. Allele origin: germline. Not counted in ClinVar's aggregate classification.

Literature cited by the submitters: PubMed 23359680 (cited by Labcorp Genetics (formerly Invitae), Labcorp and OMIM); PubMed 3340629 (cited by OMIM).

NM_004181.5(UCHL1):c.20A>C (p.Glu7Ala)

Gene: UCHL1 (ubiquitin C-terminal hydrolase L1; plus strand). Cytogenetic location: 4p13.
Variant type: single nucleotide variant.
Coding change: c.20A>C on transcript NM_004181.5 (MANE Select); coding-DNA position 20, A replaced by C.
Protein change: p.Glu7Ala; replaces glutamic acid 7 with alanine.
Molecular consequence: missense variant.
Genome position (GRCh38, 1-based): chr4:41,256,996, A>C. VCF-style: chr4-41256996-A-C. GRCh37 (hg19) VCF-style: chr4-41259013-A-C.
Other names: short protein forms E7A.
Identifiers: ClinVar variation 88635 (VCV000088635.7), dbSNP rs397515634, ClinGen allele CA145269.
Genomic context (GRCh38, chr4:41,256,996, plus strand): 5'-TTCGTCTTCCCTAGGCTATTTCTGCCGGGCGCTCCGCGAAGATGCAGCTCAAGCCGATGG[A>C]GATCAACCCCGAGGTGAGCGCCAGGTGCACCGCTACCCGGAGAGCGCGAGGCCGAGGGAG-3'
Protein context (NP_004172.2, residues 1-17): MQLKPM[Glu7Ala]INPEMLNKVL